The following continues an entry in ClinVar:

NM_206933.4(USH2A):c.10561T>C (p.Trp3521Arg)

Gene: USH2A. ClinVar aggregate classification (germline): Pathogenic/Likely pathogenic. Pathogenic (15); Likely pathogenic (4).

Submissions 17 to 22 of 22:

Institute of Human Genetics, Univ. Regensburg, Univ. Regensburg
Classification: Likely pathogenic for Retinal dystrophy. Last evaluated: 2021-01-01. Review status: criteria provided, single submitter. Criteria: ACMG Guidelines, 2015. Collection method: clinical testing. Allele origin: germline. Affected: yes.

Broad Center for Mendelian Genomics, Broad Institute of MIT and Harvard
Classification: Pathogenic for Usher syndrome type 2A. Last evaluated: 2017-06-25. Review status: criteria provided, single submitter. Criteria: ACMG Guidelines, 2015. Collection method: research. Allele origin: germline. Inheritance: Autosomal recessive inheritance. Affected: yes. Observed: 1 variant allele. Study: Broad Institute Center for Mendelian Genomics (CMG).

Laboratory for Molecular Medicine, Mass General Brigham Personalized Medicine
Classification: Pathogenic for Rare genetic deafness. Last evaluated: 2015-03-03. Review status: criteria provided, single submitter. Criteria: LMM Criteria. Collection method: clinical testing. Allele origin: germline. Inheritance: Autosomal recessive inheritance. Observed: 5 variant alleles.
Comment: The p.Trp3521Arg variant in USH2A has been reported in at least 10 individuals w ith Usher syndrome (Dreyer 2008, McGee 2010, Le Quesne Stabej 2012, Glockle 2014 ). At least 4 of these individuals were reported to carry another pathogenic USH 2A variant in trans (Le Quesne Stabej 2012). This variant has also been identifi ed by our laboratory in 3 Caucasian individuals with Usher syndrome, all of whom carried a second, loss-of-function variant in the USH2A gene. The Exome Aggrega tion Consortium (ExAC) has identified this varia nt in 2/66552 European chromosomes (dbSNP rs111033264). Although this variant ha s been seen in the general population, its frequency is low enough to be consist ent with a recessive carrier frequency. Computational prediction tools and conse rvation analysis suggest that the variant may impact the protein. In summary, th e p.Trp3521Arg variant meets our criteria to be classified as pathogenic for Ush er syndrome in an autosomal recessive manner (nalizedmedicince/LMM).

Department of Clinical Genetics, Copenhagen University Hospital, Rigshospitalet
Classification: Pathogenic for Usher syndrome. Last evaluated: 2018-04-01. Review status: no assertion criteria provided. Collection method: research. Allele origin: unknown. Affected: yes. Study: VeluxRD. Not counted in ClinVar's aggregate classification.

Counsyl
Classification: Likely pathogenic for Usher syndrome type 2A; Retinitis pigmentosa 39. Last evaluated: 2017-01-17. Review status: no assertion criteria provided. Collection method: clinical testing. Allele origin: unknown. Not counted in ClinVar's aggregate classification.

NIHR Bioresource Rare Diseases, University of Cambridge
Classification: Likely pathogenic for Usher syndrome. Last evaluated: 2015-01-01. Review status: no assertion criteria provided. Collection method: research. Allele origin: unknown. Affected: yes. Observed: 1 variant allele. Not counted in ClinVar's aggregate classification.

Literature cited by the submitters: PubMed 24265693 (cited by 4 submitters); PubMed 26969326 (cited by 3 submitters); PubMed 27318125 (cited by 3 submitters); PubMed 22135276 (cited by 4 submitters); PubMed 27460420 (cited by 3 submitters); PubMed 30718709 (cited by Ocular Genomics Institute, Massachusetts Eye and Ear and Department of Clinical Genetics, Copenhagen University Hospital, Rigshospitalet); PubMed 20507924 (cited by 3 submitters); PubMed 18273898 (cited by 4 submitters); PubMed 28559085 (cited by Ocular Genomics Institute, Massachusetts Eye and Ear and Institute of Human Genetics, Univ. Regensburg, Univ. Regensburg); PubMed 31964843 (cited by Institute of Human Genetics, Univ. Regensburg, Univ. Regensburg); PubMed 32581362 (cited by Institute of Human Genetics, Univ. Regensburg, Univ. Regensburg); PubMed 32531858 (cited by Institute of Human Genetics, Univ. Regensburg, Univ. Regensburg); PubMed 32037395 (cited by Institute of Human Genetics, Univ. Regensburg, Univ. Regensburg); PubMed 36011334 (cited by Institute of Human Genetics, Univ. Regensburg, Univ. Regensburg); PubMed 35266249 (cited by Institute of Human Genetics, Univ. Regensburg, Univ. Regensburg); PubMed 36785559 (cited by Institute of Human Genetics, Univ. Regensburg, Univ. Regensburg); PubMed 23591405 (cited by Laboratory for Molecular Medicine, Mass General Brigham Personalized Medicine); PubMed 28041643 (cited by NIHR Bioresource Rare Diseases, University of Cambridge).